The following is an entry in ClinVar:

ClinVar aggregate classification (germline): Likely benign (1 of 4 stars; one submission).

Conditions:
Familial cancer of breast. Also called: Hereditary breast cancer; hereditary breast carcinoma; BREAST CANCER, FAMILIAL. Identifiers: Orphanet 227535, MedGen C0346153, MONDO:0016419, OMIM 114480. Disease mechanism: loss of function.

Submission:

Myriad Genetics, Inc.
Classification: Likely benign for Familial cancer of breast. Last evaluated: 2025-01-22. Review status: criteria provided, single submitter. Criteria: Myriad Autosomal Dominant, Autosomal Recessive and X-Linked Classification Criteria (2023). Collection method: clinical testing. Allele origin: unknown.
Comment: This variant is considered likely benign. This variant is intronic and is not expected to impact mRNA splicing.

NM_024675.4(PALB2):c.3350+7G>A

Gene: PALB2 (partner and localizer of BRCA2; minus strand). Cytogenetic location: 16p12.2.
Variant type: single nucleotide variant.
Coding change: c.3350+7G>A on transcript NM_024675.4 (MANE Select); 7 bases into the intron after coding-DNA position 3350, G replaced by A.
Molecular consequence: intron variant.
Genome position (GRCh38, 1-based): chr16:23,607,857, C>T on the plus strand (G>A on the coding strand, the complement: PALB2 is on the minus strand). VCF-style: chr16-23607857-C-T. GRCh37 (hg19) VCF-style: chr16-23619178-C-T.
Other names: c.2229-4188G>A (NM_001407308.1, NM_001407309.1); c.2465+7G>A (NM_001407306.1, NM_001407305.1, NM_001407304.1); c.884+7G>A (NM_001407314.1); c.1414-4188G>A (NM_001407313.1); c.1562+7G>A (NM_001407312.1); c.3290+7G>A (NM_001407296.1); c.3278+7G>A (NM_001407297.1); c.3040-4188G>A (NM_001407302.1); and 6 more.
Identifiers: ClinVar variation 3903975 (VCV003903975.1).